The following is an entry in ClinVar:

ClinVar aggregate classification (germline): Uncertain significance (1 of 4 stars; one submission).

Conditions:
Hereditary cancer-predisposing syndrome. Also called: Tumor predisposition; Hereditary neoplastic syndrome; Neoplastic Syndromes, Hereditary; Hereditary Cancer Syndrome. Identifiers: Orphanet 140162, MedGen C0027672, MeSH D009386, MONDO:0015356.

Submission:

Ambry Genetics
Classification: Uncertain significance for Hereditary cancer-predisposing syndrome. Last evaluated: 2019-10-08. Review status: criteria provided, single submitter. Criteria: Ambry Variant Classification Scheme 2023. Collection method: clinical testing. Allele origin: germline.
Comment: The p.S5P variant (also known as c.13T>C), located in coding exon 1 of the CHEK2 gene, results from a T to C substitution at nucleotide position 13. The serine at codon 5 is replaced by proline, an amino acid with similar properties. This amino acid position is poorly conserved in available vertebrate species. In addition, this alteration is predicted to be tolerated by in silico analysis. Since supporting evidence is limited at this time, the clinical significance of this alteration remains unclear.

NM_007194.4(CHEK2):c.13T>C (p.Ser5Pro)

Gene: CHEK2 (checkpoint kinase 2; minus strand). Cytogenetic location: 22q12.1.
Variant type: single nucleotide variant.
Coding change: c.13T>C on transcript NM_007194.4 (MANE Select); coding-DNA position 13, T replaced by C.
Protein change: p.Ser5Pro; replaces serine 5 with proline.
Molecular consequence: missense variant.
Genome position (GRCh38, 1-based): chr22:28,734,709, A>G on the plus strand (T>C on the coding strand, the complement: CHEK2 is on the minus strand). VCF-style: chr22-28734709-A-G. GRCh37 (hg19) VCF-style: chr22-29130697-A-G.
Other names: c.13T>C, p.Ser5Pro (NM_001005735.3, NM_001349956.3, NM_145862.3); c.-765T>C (NM_001257387.3); short protein forms S5P.
Identifiers: ClinVar variation 819113 (VCV000819113.4), dbSNP rs1601854328, ClinGen allele CA411092109.